The following is an entry in ClinVar:

NM_003325.4(HIRA):c.735C>T (p.Asn245=)

Gene: HIRA (histone cell cycle regulator; minus strand). Cytogenetic location: 22q11.21.
Variant type: single nucleotide variant.
Coding change: c.735C>T on transcript NM_003325.4 (MANE Select); coding-DNA position 735, C replaced by T.
Protein change: p.Asn245=; no amino-acid change (asparagine 245 retained).
Molecular consequence: synonymous variant.
Genome position (GRCh38, 1-based): chr22:19,394,429, G>A on the plus strand (C>T on the coding strand, the complement: HIRA is on the minus strand). VCF-style: chr22-19394429-G-A. GRCh37 (hg19) VCF-style: chr22-19381952-G-A.
Identifiers: ClinVar variation 3042950 (VCV003042950.2), dbSNP rs769770746, ClinGen allele CA10099872.

ClinVar aggregate classification (germline): Likely benign (0 of 4 stars; one submission).

Conditions:
HIRA-related disorder.

Allele frequency attached by ClinVar (database versions not stated): TOPMed below 0.00001; ExAC 0.00001; gnomAD exomes 0.00001.
gnomAD v4.1: 23 of 1,614,150 alleles (0.0014%); highest among the groups gnomAD compares: Non-Finnish European, 0.0018%; no homozygotes.

Submission:

PreventionGenetics, part of Exact Sciences
Classification: Likely benign for HIRA-related condition. Last evaluated: 2019-06-26. Review status: no assertion criteria provided. Collection method: clinical testing. Allele origin: germline.
Comment: This variant is classified as likely benign based on ACMG/AMP sequence variant interpretation guidelines (Richards et al. 2015 PMID: 25741868, with internal and published modifications).